The following is an entry in ClinVar:

NM_004281.4(BAG3):c.467C>G (p.Ala156Gly)

Gene: BAG3 (BAG cochaperone 3; plus strand). Cytogenetic location: 10q26.11.
Variant type: single nucleotide variant.
Coding change: c.467C>G on transcript NM_004281.4 (MANE Select); coding-DNA position 467, C replaced by G.
Protein change: p.Ala156Gly; replaces alanine 156 with glycine.
Molecular consequence: missense variant.
Genome position (GRCh38, 1-based): chr10:119,670,137, C>G. VCF-style: chr10-119670137-C-G. GRCh37 (hg19) VCF-style: chr10-121429649-C-G.
Other names: short protein forms A156G.
Identifiers: ClinVar variation 179298 (VCV000179298.24), dbSNP rs572038196, ClinGen allele CA184149.
Genomic context (GRCh38, chr10:119,670,137, plus strand): 5'-CACCTCTGCGGGGCATGCCAGAAACCACTCAGCCAGATAAACAGTGTGGACAGGTGGCAG[C>G]GGCGGCGGCAGCCCAGCCCCCAGCCTCCCACGGACCTGAGGTAAGGAGAGGCCAGGCTCA-3'
Protein context (NP_004272.2, residues 146-166): QPDKQCGQVA[Ala156Gly]AAAAQPPASH

ClinVar aggregate classification (germline): Conflicting classifications of pathogenicity. Review status: criteria provided, conflicting classifications (1 of 4 stars). 7 submissions from 6 submitters: Uncertain significance (4); Benign (1); Likely benign (2). Last evaluated 2026-01-12.

Conditions:
Cardiovascular phenotype. Identifiers: MedGen CN230736.
Myofibrillar myopathy 6. Identifiers: Orphanet 199340, MedGen C2751831, MONDO:0013061, OMIM 612954.
Dilated cardiomyopathy 1HH (CMD1HH). Identifiers: Orphanet 154, MedGen C3151293, MONDO:0013479, OMIM 613881.

Allele frequency attached by ClinVar (database versions not stated): TOPMed 0.00008; 1000 Genomes Project 30x 0.00031; 1000 Genomes Project 0.00040.
gnomAD v4.1: 38 of 1,610,560 alleles (0.0024%); highest among the groups gnomAD compares: African/African-American, 0.035%; no homozygotes.

Submissions (7):

Labcorp Genetics (formerly Invitae), Labcorp
Classification: Likely benign for Dilated cardiomyopathy 1HH; Myofibrillar myopathy 6. Last evaluated: 2026-01-12. Review status: criteria provided, single submitter. Criteria: Invitae Variant Classification Sherloc (09022015). Collection method: clinical testing. Allele origin: germline.

Ambry Genetics
Classification: Uncertain significance for Cardiovascular phenotype. Last evaluated: 2025-11-19. Review status: criteria provided, single submitter. Criteria: Ambry Variant Classification Scheme 2023. Collection method: clinical testing. Allele origin: germline.
Comment: The c.467C>G (p.A156G) alteration is located in exon 2 (coding exon 2) of the BAG3 gene. This alteration results from a C to G substitution at nucleotide position 467, causing the alanine (A) at amino acid position 156 to be replaced by a glycine (G). Based on data from gnomAD, the G allele has an overall frequency of 0.003% (9/277874) total alleles studied. The highest observed frequency was 0.033% (8/24118) of African alleles. Based on insufficient or conflicting evidence, the clinical significance of this alteration remains unclear.

Women's Health and Genetics/Laboratory Corporation of America, LabCorp
Classification: Likely benign. Last evaluated: 2025-04-25. Review status: criteria provided, single submitter. Criteria: LabCorp Variant Classification Summary - May 2015. Collection method: clinical testing. Allele origin: germline.
Comment: Variant summary: BAG3 c.467C>G (p.Ala156Gly) results in a non-conservative amino acid change in the encoded protein sequence. Four of five in-silico tools predict a benign effect of the variant on protein function. The variant allele was found at a frequency of 2.4e-05 in 1610560 control chromosomes, predominantly at a frequency of 0.00035 within the African or African-American subpopulation in the gnomAD database. The observed variant frequency within African or African-American control individuals in the gnomAD database is approximately 9 fold of the estimated maximal expected allele frequency for a pathogenic variant in BAG3 causing Dilated Cardiomyopathy phenotype (3.9e-05). c.467C>G has been observed in at least an individual affected with Dilated Cardiomyopathy (Burstein_2021). This report, however, does not provide unequivocal conclusions about association of the variant with Dilated Cardiomyopathy. To our knowledge, no experimental evidence demonstrating an impact on protein function has been reported. The following publication has been ascertained in the context of this evaluation (PMID: 32746448). ClinVar contains an entry for this variant (Variation ID: 179298). Based on the evidence outlined above, the variant was classified as likely benign.

Revvity Omics, Revvity
Classification: Uncertain significance. Last evaluated: 2020-02-28. Review status: criteria provided, single submitter. Criteria: ACMG Guidelines, 2015. Collection method: clinical testing. Allele origin: germline.

Illumina Laboratory Services, Illumina
Classification: Benign for Myofibrillar myopathy 6. Last evaluated: 2018-01-13. Review status: criteria provided, single submitter. Criteria: ICSL Variant Classification Criteria 13 December 2019. Collection method: clinical testing. Allele origin: germline.
Comment: This variant was observed in the ICSL laboratory as part of a predisposition screen in an ostensibly healthy population. It had not been previously curated by ICSL or reported in the Human Gene Mutation Database (HGMD: prior to June 1st, 2018), and was therefore a candidate for classification through an automated scoring system. Utilizing variant allele frequency, disease prevalence and penetrance estimates, and inheritance mode, an automated score was calculated to assess if this variant is too frequent to cause the disease. Based on the score and internal cut-off values, a variant classified as benign is not then subjected to further curation. The score for this variant resulted in a classification of benign for this disease.

Illumina Laboratory Services, Illumina
Classification: Uncertain significance for Dilated cardiomyopathy 1HH. Last evaluated: 2018-01-13. Review status: criteria provided, single submitter. Criteria: ICSL Variant Classification Criteria 13 December 2019. Collection method: clinical testing. Allele origin: germline.

Laboratory for Molecular Medicine, Mass General Brigham Personalized Medicine
Classification: Uncertain significance. Last evaluated: 2015-05-19. Review status: criteria provided, single submitter. Criteria: LMM Criteria. Collection method: clinical testing. Allele origin: germline. Observed: 2 variant alleles.
Comment: It has also been identified in 3/9186 African chromosomes by the Exo me Aggregation Consortium (ExAC; dbSNP rs5720381 96). Computational prediction tools and conservation analysis suggest that the v ariant may not impact the protein, though this information is not predictive eno ugh to rule out pathogenicity. In summary, the clinical significance of the p.Al a156Gly variant is uncertain.

Literature cited by the submitters: PubMed 32746448 (cited by Women's Health and Genetics/Laboratory Corporation of America, LabCorp).